The following is an entry in ClinVar:

ClinVar aggregate classification (germline): Pathogenic (1 of 4 stars; one submission).

Conditions:
Nephronophthisis 4 (NPHP4). Also called: NEPHRONOPHTHISIS 4, JUVENILE. Identifiers: Orphanet 655, MedGen C1847013, MONDO:0011752, OMIM 606966.

Submission:

Precision Medicine Center, Zhengzhou University
Classification: Pathogenic for Nephronophthisis 4. Last evaluated: 2023-12-01. Review status: criteria provided, single submitter. Criteria: ACMG Guidelines, 2015. Collection method: clinical testing. Allele origin: paternal. Affected: yes.
Comment: PVS1,PM2_p,PM3

NM_015102.5(NPHP4):c.4237_4249del (p.Asp1413fs)

Gene: NPHP4 (nephrocystin 4; minus strand). Cytogenetic location: 1p36.31.
Variant type: Deletion.
Coding change: c.4237_4249del on transcript NM_015102.5 (MANE Select); coding-DNA positions 4237 to 4249, 13 bases deleted (GACAAAAACGAAG).
Protein change: p.Asp1413fs; shifts the reading frame from aspartic acid 1413.
Molecular consequence: frameshift variant. On other transcripts: non-coding transcript variant (1).
Genome position (GRCh38, 1-based): chr1:5,863,297-5,863,309, CTTCGTTTTTGTC deleted on the plus strand (GACAAAAACGAAG on the coding strand, the reverse complement: NPHP4 is on the minus strand); deleting any 13 consecutive bases within chr1:5,863,297-5,863,311 gives the same sequence; the c. name uses the placement nearest the transcript's 3' end. VCF-style (leftmost placement, unchanged base first): chr1-5863296-TCTTCGTTTTTGTC-T. GRCh37 (hg19) VCF-style: chr1-5923356-TCTTCGTTTTTGTC-T.
Other names: c.2698_2710del, p.Asp900fs (NM_001291593.2); c.2701_2713del, p.Asp901fs (NM_001291594.2); short protein forms D1413fs, D900fs, D901fs.
Identifiers: ClinVar variation 2681745 (VCV002681745.2), dbSNP rs2522589875.